The following is an entry in ClinVar:

ClinVar aggregate classification (germline): Pathogenic/Likely pathogenic. Review status: criteria provided, multiple submitters, no conflicts (2 of 4 stars). 5 submissions from 4 submitters: Pathogenic (1); Likely pathogenic (3). 1 of the submissions does not count toward it. Last evaluated 2024-11-26.

Conditions:
Usher syndrome type 2A. Also called: USHER SYNDROME, TYPE IIA; RETINAL DISEASE IN USHER SYNDROME TYPE IIA, MODIFIER OF. Identifiers: Orphanet 231178, Orphanet 886, MedGen C1848634, MONDO:0010169, OMIM 276901.
Retinitis pigmentosa 39 (RP39). Identifiers: Orphanet 791, MedGen C3151138, MONDO:0013436, OMIM 613809.
USH2A-related disorder. Also called: USH2A-related disorders; USH2A-related condition. Identifiers: MedGen CN239332.

Submissions (5):

PreventionGenetics, part of Exact Sciences
Classification: Likely pathogenic for USH2A-related condition. Last evaluated: 2024-11-26. Review status: criteria provided, single submitter. Criteria: ACMG Guidelines, 2015. Collection method: clinical testing. Allele origin: germline.
Comment: The USH2A c.2616delA variant is predicted to result in premature protein termination (p.Val874*). To our knowledge, this variant has not been reported in the literature or in a large population database (gnomAD), indicating this variant is rare. Nonsense variants in USH2A are expected to be pathogenic. This variant is interpreted as likely pathogenic.

Genome-Nilou Lab
Classification: Likely pathogenic for Retinitis pigmentosa 39. Last evaluated: 2023-11-04. Review status: criteria provided, single submitter. Criteria: ACMG Guidelines, 2015. Collection method: clinical testing. Allele origin: germline. Affected: no.

Genome-Nilou Lab
Classification: Likely pathogenic for Usher syndrome type 2A. Last evaluated: 2023-11-04. Review status: criteria provided, single submitter. Criteria: ACMG Guidelines, 2015. Collection method: clinical testing. Allele origin: germline. Affected: no.

Labcorp Genetics (formerly Invitae), Labcorp
Classification: Pathogenic. Last evaluated: 2020-12-20. Review status: criteria provided, single submitter. Criteria: Invitae Variant Classification Sherloc (09022015). Collection method: clinical testing. Allele origin: germline.
Comment: This sequence change creates a premature translational stop signal (p.Val874*) in the USH2A gene. It is expected to result in an absent or disrupted protein product. Loss-of-function variants in USH2A are known to be pathogenic (PMID: 10729113, 10909849, 20507924, 25649381). This variant is not present in population databases (ExAC no frequency). This variant has not been reported in the literature in individuals with USH2A-related conditions. ClinVar contains an entry for this variant (Variation ID: 557846). For these reasons, this variant has been classified as Pathogenic.

Counsyl
Classification: Likely pathogenic for Usher syndrome type 2A; Retinitis pigmentosa 39. Last evaluated: 2018-04-09. Review status: no assertion criteria provided. Collection method: clinical testing. Allele origin: unknown. Not counted in ClinVar's aggregate classification.

Literature cited by the submitters: PubMed 10729113 (cited by Labcorp Genetics (formerly Invitae), Labcorp); PubMed 10909849 (cited by Labcorp Genetics (formerly Invitae), Labcorp); PubMed 20507924 (cited by Labcorp Genetics (formerly Invitae), Labcorp); PubMed 25649381 (cited by Labcorp Genetics (formerly Invitae), Labcorp).

NM_206933.4(USH2A):c.2616del (p.Gly873_Val874insTer)

Genes: USH2A (usherin; minus strand), LOC122152296 (Sharpr-MPRA regulatory region 8762; plus strand). Cytogenetic location: 1q41.
Variant type: Deletion.
Coding change: c.2616del on transcript NM_206933.4 (MANE Select); coding-DNA position 2616, one base deleted (A; older notation c.2616delA).
Protein change: p.Gly873_Val874insTer.
Molecular consequence: frameshift variant.
Genome position (GRCh38, 1-based): chr1:216,246,778, T deleted on the plus strand (A on the coding strand, the reverse complement: USH2A is on the minus strand). VCF-style (leftmost placement, unchanged base first): chr1-216246777-CT-C. GRCh37 (hg19) VCF-style: chr1-216420119-CT-C.
Other names: c.2616del, p.Gly873_Val874insTer (NM_007123.6).
Identifiers: ClinVar variation 557846 (VCV000557846.10), dbSNP rs1553320451, ClinGen allele CA658823242.